The following is an entry in ClinVar:

NM_031942.5(CDCA7):c.287G>A (p.Arg96Lys)

Gene: CDCA7 (cell division cycle associated 7; plus strand). Cytogenetic location: 2q31.1.
Variant type: single nucleotide variant.
Coding change: c.287G>A on transcript NM_031942.5 (MANE Select); coding-DNA position 287, G replaced by A.
Protein change: p.Arg96Lys; replaces arginine 96 with lysine.
Molecular consequence: missense variant. On other transcripts: intron variant (1).
Genome position (GRCh38, 1-based): chr2:173,359,394, G>A. VCF-style: chr2-173359394-G-A. GRCh37 (hg19) VCF-style: chr2-174224122-G-A.
Other names: c.147+557G>A (NM_145810.3); short protein forms R96K.
Identifiers: ClinVar variation 2995605 (VCV002995605.3), dbSNP rs1368935866, ClinGen allele CA349321928.

ClinVar aggregate classification (germline): Uncertain significance (1 of 4 stars; one submission).

Allele frequency attached by ClinVar (database versions not stated): gnomAD exomes below 0.00001; gnomAD 0.00001.
gnomAD v4.1: 3 of 1,614,042 alleles (0.00019%); highest among the groups gnomAD compares: Non-Finnish European, 0.00025%; no homozygotes.

Submission:

Labcorp Genetics (formerly Invitae), Labcorp
Classification: Uncertain significance. Last evaluated: 2023-12-07. Review status: criteria provided, single submitter. Criteria: Invitae Variant Classification Sherloc (09022015). Collection method: clinical testing. Allele origin: germline.
Comment: This sequence change replaces arginine, which is basic and polar, with lysine, which is basic and polar, at codon 96 of the CDCA7 protein (p.Arg96Lys). This variant is present in population databases (no rsID available, gnomAD 0.007%). This variant has not been reported in the literature in individuals affected with CDCA7-related conditions. An algorithm developed to predict the effect of missense changes on protein structure and function (PolyPhen-2) suggests that this variant is likely to be disruptive. In summary, the available evidence is currently insufficient to determine the role of this variant in disease. Therefore, it has been classified as a Variant of Uncertain Significance.